The following is an entry in ClinVar:

ClinVar aggregate classification (germline): Likely benign. Review status: criteria provided, multiple submitters, no conflicts (2 of 4 stars). 2 submissions from 2 submitters: Likely benign (2). Last evaluated 2025-07-14.

Conditions:
Rubinstein-Taybi syndrome (RSTS). Identifiers: Orphanet 783, MedGen C0035934, MONDO:0019188.
CREBBP-related disorder. Also called: CREBBP-related disorders; CREBBP-related condition.

Allele frequency attached by ClinVar (database versions not stated): gnomAD exomes below 0.00001.
gnomAD v4.1: 7 of 1,613,954 alleles (0.00043%); highest among the groups gnomAD compares: Admixed American, 0.0017%; no homozygotes.

Submissions (2):

Labcorp Genetics (formerly Invitae), Labcorp
Classification: Likely benign for Rubinstein-Taybi syndrome. Last evaluated: 2025-07-14. Review status: criteria provided, single submitter. Criteria: Invitae Variant Classification Sherloc (09022015). Collection method: clinical testing. Allele origin: germline.

PreventionGenetics, part of Exact Sciences
Classification: Likely benign for CREBBP-related condition. Last evaluated: 2025-04-22. Review status: criteria provided, single submitter. Criteria: ACMG Guidelines, 2015. Collection method: clinical testing. Allele origin: germline.
Comment: This variant is classified as likely benign based on ACMG/AMP sequence variant interpretation guidelines (Richards et al. 2015 PMID: 25741868, with internal and published modifications).

NM_004380.3(CREBBP):c.4561-7C>T

Gene: CREBBP (CREB binding lysine acetyltransferase; minus strand). Cytogenetic location: 16p13.3.
Variant type: single nucleotide variant.
Coding change: c.4561-7C>T on transcript NM_004380.3 (MANE Select); 7 bases into the intron before coding-DNA position 4561, C replaced by T.
Molecular consequence: intron variant.
Genome position (GRCh38, 1-based): chr16:3,736,210, G>A on the plus strand (C>T on the coding strand, the complement: CREBBP is on the minus strand). VCF-style: chr16-3736210-G-A. GRCh37 (hg19) VCF-style: chr16-3786211-G-A.
Other names: c.4561-7C>T (NM_004380.2); c.4447-7C>T (NM_001079846.1).
Identifiers: ClinVar variation 2731512 (VCV002731512.4), dbSNP rs1203694837, ClinGen allele CA973906744.